The following is an entry in ClinVar:

ClinVar aggregate classification (germline): Uncertain significance (1 of 4 stars; one submission).

Allele frequency attached by ClinVar (database versions not stated): TOPMed below 0.00001; ExAC 0.00001; gnomAD 0.00002.

Submission:

Labcorp Genetics (formerly Invitae), Labcorp
Classification: Uncertain significance. Last evaluated: 2022-07-23. Review status: criteria provided, single submitter. Criteria: Invitae Variant Classification Sherloc (09022015). Collection method: clinical testing. Allele origin: germline.
Comment: In summary, the available evidence is currently insufficient to determine the role of this variant in disease. Therefore, it has been classified as a Variant of Uncertain Significance. Algorithms developed to predict the effect of missense changes on protein structure and function are either unavailable or do not agree on the potential impact of this missense change (SIFT: "Deleterious"; PolyPhen-2: "Probably Damaging"; Align-GVGD: "Class C0"). This variant has not been reported in the literature in individuals affected with C7-related conditions. This variant is present in population databases (rs774636974, gnomAD 0.008%). This sequence change replaces tyrosine, which is neutral and polar, with cysteine, which is neutral and slightly polar, at codon 425 of the C7 protein (p.Tyr425Cys).

NM_000587.4(C7):c.1274A>G (p.Tyr425Cys)

Gene: C7 (complement C7; plus strand). Cytogenetic location: 5p13.1.
Variant type: single nucleotide variant.
Coding change: c.1274A>G on transcript NM_000587.4 (MANE Select); coding-DNA position 1274, A replaced by G.
Protein change: p.Tyr425Cys; replaces tyrosine 425 with cysteine.
Molecular consequence: missense variant.
Genome position (GRCh38, 1-based): chr5:40,958,046, A>G. VCF-style: chr5-40958046-A-G. GRCh37 (hg19) VCF-style: chr5-40958148-A-G.
Other names: short protein forms Y425C.
Identifiers: ClinVar variation 1968069 (VCV001968069.5), dbSNP rs774636974, ClinGen allele CA3249919.